The following is an entry in ClinVar:

NM_013296.5(GPSM2):c.1460T>C (p.Ile487Thr)

Gene: GPSM2 (G protein signaling modulator 2; plus strand). Cytogenetic location: 1p13.3.
Variant type: single nucleotide variant.
Coding change: c.1460T>C on transcript NM_013296.5 (MANE Select); coding-DNA position 1460, T replaced by C.
Protein change: p.Ile487Thr; replaces isoleucine 487 with threonine.
Molecular consequence: missense variant.
Genome position (GRCh38, 1-based): chr1:108,922,436, T>C. VCF-style: chr1-108922436-T-C. GRCh37 (hg19) VCF-style: chr1-109465058-T-C.
Other names: c.1460T>C, p.Ile487Thr (NM_001321038.2, NM_001321039.3); short protein forms I487T.
Identifiers: ClinVar variation 1901635 (VCV001901635.5), dbSNP rs763455944, ClinGen allele CA28577862.
Genomic context (GRCh38, chr1:108,922,436, plus strand): 5'-TGGAATATTCAAATAAACTAGACTTCCTCTCAATATTTTAGAAAATCAGTGCAGATACTA[T>C]TGGAGATGAAGGGTTCTTTGACTTATTAAGCCGATTTCAAAGCAATAGGATGGATGATCA-3'
Protein context (NP_037428.3, residues 477-497): NSQRKISADT[Ile487Thr]GDEGFFDLLS

ClinVar aggregate classification (germline): Uncertain significance (1 of 4 stars; one submission).

Allele frequency attached by ClinVar (database versions not stated): gnomAD exomes 0.00001.

Submission:

Labcorp Genetics (formerly Invitae), Labcorp
Classification: Uncertain significance. Last evaluated: 2026-01-26. Review status: criteria provided, single submitter. Criteria: Invitae Variant Classification Sherloc (09022015). Collection method: clinical testing. Allele origin: germline.
Comment: This sequence change replaces isoleucine, which is neutral and non-polar, with threonine, which is neutral and polar, at codon 487 of the GPSM2 protein (p.Ile487Thr). This variant is present in population databases (rs763455944, gnomAD 0.007%). This variant has not been reported in the literature in individuals affected with GPSM2-related conditions. ClinVar contains an entry for this variant (Variation ID: 1901635). Invitae Evidence Modeling of protein sequence and biophysical properties (such as structural, functional, and spatial information, amino acid conservation, physicochemical variation, residue mobility, and thermodynamic stability) indicates that this missense variant is not expected to disrupt GPSM2 protein function with a negative predictive value of 80%. In summary, the available evidence is currently insufficient to determine the role of this variant in disease. Therefore, it has been classified as a Variant of Uncertain Significance.